The following is an entry in ClinVar:

ClinVar aggregate classification (germline): Pathogenic (1 of 4 stars; one submission).

Submission:

Labcorp Genetics (formerly Invitae), Labcorp
Classification: Pathogenic. Last evaluated: 2025-01-14. Review status: criteria provided, single submitter. Criteria: Invitae Variant Classification Sherloc (09022015). Collection method: clinical testing. Allele origin: germline.
Comment: This sequence change creates a premature translational stop signal (p.Asp45Thrfs*22) in the DGAT1 gene. It is expected to result in an absent or disrupted protein product. Loss-of-function variants in DGAT1 are known to be pathogenic (PMID: 29604290). The frequency data for this variant in the population databases is considered unreliable, as metrics indicate poor data quality at this position in the gnomAD database. This variant has not been reported in the literature in individuals affected with DGAT1-related conditions. For these reasons, this variant has been classified as Pathogenic.

Literature cited by the submitters: PubMed 29604290.

NM_012079.6(DGAT1):c.133del (p.Asp45fs)

Genes: DGAT1 (diacylglycerol O-acyltransferase 1; minus strand), LOC130001385 (ATAC-STARR-seq lymphoblastoid silent region 19672; plus strand). Cytogenetic location: 8q24.3.
Variant type: Deletion.
Coding change: c.133del on transcript NM_012079.6 (MANE Select); coding-DNA position 133, one base deleted (G; older notation c.133delG).
Protein change: p.Asp45fs; shifts the reading frame from aspartic acid 45.
Molecular consequence: frameshift variant.
Genome position (GRCh38, 1-based): chr8:144,326,504, C deleted on the plus strand (G on the coding strand, the reverse complement: DGAT1 is on the minus strand); the first of 5 consecutive C bases (chr8:144,326,504-144,326,508); deleting any one gives the same sequence. VCF-style (leftmost placement, unchanged base first): chr8-144326503-TC-T. GRCh37 (hg19) VCF-style: chr8-145550166-TC-T.
Other names: short protein forms D45fs.
Identifiers: ClinVar variation 3622637 (VCV003622637.2).